The following is an entry in ClinVar:

ClinVar aggregate classification (germline): Likely benign (1 of 4 stars; one submission).

Allele frequency attached by ClinVar (database versions not stated): gnomAD exomes below 0.00001.
gnomAD v4.1: 2 of 1,137,916 alleles (0.00018%); highest among the groups gnomAD compares: Admixed American, 0.0027%; no homozygotes.

Submission:

CeGaT Center for Human Genetics Tuebingen
Classification: Likely benign. Last evaluated: 2022-11-01. Review status: criteria provided, single submitter. Criteria: CeGaT Center For Human Genetics Tuebingen Variant Classification Criteria Version 2. Collection method: clinical testing. Allele origin: germline. Affected: yes. Observed: 1 variant allele.
Comment: SLC9A7: BP4, BP7

NM_001257291.2(SLC9A7):c.97C>T (p.Leu33=)

Genes: SLC9A7 (solute carrier family 9 member A7; minus strand), LOC130068197 (ATAC-STARR-seq lymphoblastoid silent region 20793; plus strand). Cytogenetic location: Xp11.3.
Variant type: single nucleotide variant.
Coding change: c.97C>T on transcript NM_001257291.2 (MANE Select); coding-DNA position 97, C replaced by T.
Protein change: p.Leu33=; no amino-acid change (leucine 33 retained).
Molecular consequence: synonymous variant.
Genome position (GRCh38, 1-based): chrX:46,758,933, G>A on the plus strand (C>T on the coding strand, the complement: SLC9A7 is on the minus strand). VCF-style: chrX-46758933-G-A. GRCh37 (hg19) VCF-style: chrX-46618368-G-A.
Other names: c.97C>T, p.Leu33= (NM_032591.3).
Identifiers: ClinVar variation 1879760 (VCV001879760.29), dbSNP rs1556295026, ClinGen allele CA516249215.